The following is an entry in ClinVar:

NM_020433.5(JPH2):c.800G>A (p.Gly267Glu)

Gene: JPH2 (junctophilin 2; minus strand). Cytogenetic location: 20q13.12.
Variant type: single nucleotide variant.
Coding change: c.800G>A on transcript NM_020433.5 (MANE Select); coding-DNA position 800, G replaced by A.
Protein change: p.Gly267Glu; replaces glycine 267 with glutamic acid.
Molecular consequence: missense variant.
Genome position (GRCh38, 1-based): chr20:44,159,987, C>T on the plus strand (G>A on the coding strand, the complement: JPH2 is on the minus strand). VCF-style: chr20-44159987-C-T. GRCh37 (hg19) VCF-style: chr20-42788627-C-T.
Other names: short protein forms G267E.
Identifiers: ClinVar variation 2566236 (VCV002566236.2), dbSNP rs2515744691, ClinGen allele CA409093642.

ClinVar aggregate classification (germline): Uncertain significance (1 of 4 stars; one submission).

Conditions:
Cardiovascular phenotype. Identifiers: MedGen CN230736.

Submission:

Ambry Genetics
Classification: Uncertain significance for Cardiovascular phenotype. Last evaluated: 2023-04-16. Review status: criteria provided, single submitter. Criteria: Ambry Variant Classification Scheme 2023. Collection method: clinical testing. Allele origin: germline.
Comment: The p.G267E variant (also known as c.800G>A), located in coding exon 2 of the JPH2 gene, results from a G to A substitution at nucleotide position 800. The glycine at codon 267 is replaced by glutamic acid, an amino acid with similar properties. This amino acid position is conserved. In addition, this alteration is predicted to be tolerated by in silico analysis. Since supporting evidence is limited at this time, the clinical significance of this alteration remains unclear.